The following is an entry in ClinVar:

ClinVar aggregate classification (germline): Uncertain significance (1 of 4 stars; one submission).

Submission:

GeneDx
Classification: Uncertain significance. Last evaluated: 2025-03-19. Review status: criteria provided, single submitter. Criteria: GeneDx Variant Classification Process June 2021. Collection method: clinical testing. Allele origin: germline. Affected: yes.
Comment: Not observed at significant frequency in large population cohorts (gnomAD); In silico analysis indicates that this missense variant does not alter protein structure/function; Has not been previously published as pathogenic or benign to our knowledge

NM_182641.4(BPTF):c.6616G>A (p.Val2206Ile)

Gene: BPTF (bromodomain PHD finger transcription factor; plus strand). Cytogenetic location: 17q24.2.
Variant type: single nucleotide variant.
Coding change: c.6616G>A on transcript NM_182641.4 (MANE Select); coding-DNA position 6616, G replaced by A.
Protein change: p.Val2206Ile; replaces valine 2206 with isoleucine.
Molecular consequence: missense variant.
Genome position (GRCh38, 1-based): chr17:67,944,288, G>A. VCF-style: chr17-67944288-G-A. GRCh37 (hg19) VCF-style: chr17-65940404-G-A.
Other names: c.6994G>A, p.Val2332Ile (NM_004459.7, NM_001439140.1, NM_001439142.1); c.6805G>A, p.Val2269Ile (NM_001439139.1, NM_001439143.1, NM_001439144.1); c.6967G>A, p.Val2323Ile (NM_001439141.1); short protein forms V2206I, V2269I, V2323I, V2332I.
Identifiers: ClinVar variation 4086309 (VCV004086309.1).